The following is an entry in ClinVar:

ClinVar aggregate classification (germline): Uncertain significance (1 of 4 stars; one submission).

Conditions:
Spastic paraplegia. Identifiers: MedGen C0037772, HP:0001258.

Submission:

Labcorp Genetics (formerly Invitae), Labcorp
Classification: Uncertain significance for Spastic paraplegia. Last evaluated: 2021-11-01. Review status: criteria provided, single submitter. Criteria: Invitae Variant Classification Sherloc (09022015). Collection method: clinical testing. Allele origin: germline.
Comment: This sequence change replaces arginine, which is basic and polar, with histidine, which is basic and polar, at codon 28 of the FA2H protein (p.Arg28His). This variant is not present in population databases (gnomAD no frequency). This variant has not been reported in the literature in individuals affected with FA2H-related conditions. Advanced modeling of protein sequence and biophysical properties (such as structural, functional, and spatial information, amino acid conservation, physicochemical variation, residue mobility, and thermodynamic stability) performed at Invitae indicates that this missense variant is expected to disrupt FA2H protein function. In summary, the available evidence is currently insufficient to determine the role of this variant in disease. Therefore, it has been classified as a Variant of Uncertain Significance.

NM_024306.5(FA2H):c.83G>A (p.Arg28His)

Genes: FA2H (fatty acid 2-hydroxylase; minus strand), LOC130059394 (ATAC-STARR-seq lymphoblastoid silent region 7701; plus strand). Cytogenetic location: 16q23.1.
Variant type: single nucleotide variant.
Coding change: c.83G>A on transcript NM_024306.5 (MANE Select); coding-DNA position 83, G replaced by A.
Protein change: p.Arg28His; replaces arginine 28 with histidine.
Molecular consequence: missense variant.
Genome position (GRCh38, 1-based): chr16:74,774,673, C>T on the plus strand (G>A on the coding strand, the complement: FA2H is on the minus strand). VCF-style: chr16-74774673-C-T. GRCh37 (hg19) VCF-style: chr16-74808571-C-T.
Other names: short protein forms R28H.
Identifiers: ClinVar variation 1485917 (VCV001485917.6), dbSNP rs1962976476, ClinGen allele CA396768452.
Genomic context (GRCh38, chr16:74,774,673, plus strand): 5'-TGCTCGCCCCCCGGGTGGTGCCGCACGAAGCTGGAGAGGTCGTAGAGGCGGGCCCCGCGG[C>T]GGACCCAGCACGCGCCGGCCGCCAGGCGCCGCTGGACCTCGGAGGGCGAGAAGGAGGCGG-3'
Protein context (NP_077282.3, residues 18-38): RRLAAGACWV[Arg28His]RGARLYDLSS